The following is an entry in ClinVar:

NM_000368.5(TSC1):c.2406C>T (p.Asp802=)

Gene: TSC1 (TSC complex subunit 1; minus strand). Cytogenetic location: 9q34.13.
Variant type: single nucleotide variant.
Coding change: c.2406C>T on transcript NM_000368.5 (MANE Select); coding-DNA position 2406, C replaced by T.
Protein change: p.Asp802=; no amino-acid change (aspartic acid 802 retained).
Molecular consequence: synonymous variant. On other transcripts: non-coding transcript variant (5).
Genome position (GRCh38, 1-based): chr9:132,901,685, G>A on the plus strand (C>T on the coding strand, the complement: TSC1 is on the minus strand). VCF-style: chr9-132901685-G-A. GRCh37 (hg19) VCF-style: chr9-135777072-G-A.
Other names: c.2403C>T, p.Asp801= (NM_001162426.2, NM_001406597.1, NM_001406598.1 and 4 more transcripts); c.2253C>T, p.Asp751= (NM_001162427.2, NM_001406610.1); c.2043C>T, p.Asp681= (NM_001362177.2, NM_001406614.1, NM_001406615.1 and 5 more transcripts); c.2406C>T, p.Asp802= (NM_001406592.1, NM_001406593.1, NM_001406594.1 and 5 more transcripts); c.2250C>T, p.Asp750= (NM_001406611.1, NM_001406612.1, NM_001406613.1); c.2040C>T, p.Asp680= (NM_001406620.1, NM_001406621.1, NM_001406622.1 and 2 more transcripts); c.1455C>T, p.Asp485= (NM_001406626.1); c.1452C>T, p.Asp484= (NM_001406627.1, NM_001406628.1); and 3 more.
Identifiers: ClinVar variation 4071037 (VCV004071037.2).

ClinVar aggregate classification (germline): Benign/Likely benign. Review status: criteria provided, multiple submitters, no conflicts (2 of 4 stars). 2 submissions from 2 submitters: Benign (1); Likely benign (1). Last evaluated 2026-01-19.

Conditions:
Tuberous sclerosis 1 (TSC1). Identifiers: Orphanet 805, MedGen C1854465, MONDO:0008612, OMIM 191100.
Hereditary cancer-predisposing syndrome. Also called: Neoplastic Syndromes, Hereditary; Tumor predisposition; Hereditary neoplastic syndrome; Hereditary Cancer Syndrome. Identifiers: Orphanet 140162, MedGen C0027672, MeSH D009386, MONDO:0015356.

Submissions (2):

Ambry Genetics
Classification: Likely benign for Hereditary cancer-predisposing syndrome. Last evaluated: 2026-01-19. Review status: criteria provided, single submitter. Criteria: Ambry Variant Classification Scheme 2023. Collection method: clinical testing. Allele origin: germline.

Myriad Genetics, Inc.
Classification: Benign for Tuberous sclerosis 1. Last evaluated: 2025-04-25. Review status: criteria provided, single submitter. Criteria: Myriad Autosomal Dominant, Autosomal Recessive and X-Linked Classification Criteria (2023). Collection method: clinical testing. Allele origin: unknown.
Comment: This variant is considered benign. This variant is a silent/synonymous amino acid change and it is not expected to impact splicing.